The following is an entry in ClinVar:

NM_000135.4(FANCA):c.427-2A>G

Gene: FANCA (FA complementation group A; minus strand). Cytogenetic location: 16q24.3.
Variant type: single nucleotide variant.
Coding change: c.427-2A>G on transcript NM_000135.4 (MANE Select); the canonical splice acceptor site of the intron before coding-DNA position 427, A replaced by G.
Molecular consequence: splice acceptor variant. On other transcripts: intron variant (1).
Genome position (GRCh38, 1-based): chr16:89,810,804, T>C on the plus strand (A>G on the coding strand, the complement: FANCA is on the minus strand). VCF-style: chr16-89810804-T-C. GRCh37 (hg19) VCF-style: chr16-89877212-T-C.
Other names: c.427-2A>G (NM_001286167.3, NM_001018112.3, NM_000135.3); c.426+125A>G (NM_001351830.2).
Identifiers: ClinVar variation 974187 (VCV000974187.10), dbSNP rs765684774, ClinGen allele CA397480844.
Genomic context (GRCh38, chr16:89,810,804, plus strand): 5'-GAGAACATACTGTGTGCCAATAAATACTGAGCAAACTCTAACAGGGAAGACAGCTTCTTC[T>C]GAAAAGAGAGATTACATTTTTTAAAAAACAAATTACCTGAAACAATACTAAAGCTATGTC-3'

ClinVar aggregate classification (germline): Likely pathogenic. Review status: criteria provided, multiple submitters, no conflicts (2 of 4 stars). 3 submissions from 3 submitters: Likely pathogenic (2). 1 of the submissions does not count toward it. Last evaluated 2025-06-09.

Conditions:
Fanconi anemia (FA). Also called: Fanconi's anemia. Identifiers: Orphanet 84, MedGen C0015625, MeSH D005199, MONDO:0019391.
Fanconi anemia complementation group A (FANCA). Also called: Fanconi anemia, group A; FANCA-Related Fanconi Anemia. Identifiers: Orphanet 84, MedGen C3469521, MONDO:0009215, OMIM 227650.

Submissions (3):

Natera, Inc.
Classification: Likely pathogenic for Fanconi anemia. Last evaluated: 2025-06-09. Review status: criteria provided, single submitter. Criteria: Natera Variant Classification Schema (03/2026). Collection method: clinical testing. Allele origin: germline.
Comment: The c.427-2A>G variant in FANCA is a canonical splice acceptor site variant predicted to affect pre-mRNA splicing, which may result in an abnormal transcript and altered protein product. This variant may result in a truncated or dysfunctional protein product. This variant is rare in the general population with a frequency below the threshold expected for the associated phenotype(s). This variant has been observed in one or more individuals affected with the associated recessive disease, as either homozygous or compound heterozygous with a second variant (PMID: 17924555, 16532972). Given the available evidence, this variant is classified as Likely Pathogenic.

Labcorp Genetics (formerly Invitae), Labcorp
Classification: Likely pathogenic for Fanconi anemia. Last evaluated: 2023-10-28. Review status: criteria provided, single submitter. Criteria: Invitae Variant Classification Sherloc (09022015). Collection method: clinical testing. Allele origin: germline.
Comment: This sequence change affects an acceptor splice site in intron 4 of the FANCA gene. It is expected to disrupt RNA splicing. Variants that disrupt the donor or acceptor splice site typically lead to a loss of protein function (PMID: 16199547), and loss-of-function variants in FANCA are known to be pathogenic (PMID: 19367192). This variant is not present in population databases (gnomAD no frequency). Disruption of this splice site has been observed in individual(s) with Fanconi anemia (PMID: 17924555). ClinVar contains an entry for this variant (Variation ID: 974187). Algorithms developed to predict the effect of sequence changes on RNA splicing suggest that this variant may disrupt the consensus splice site. In summary, the currently available evidence indicates that the variant is pathogenic, but additional data are needed to prove that conclusively. Therefore, this variant has been classified as Likely Pathogenic.

Leiden Open Variation Database
Classification: Pathogenic for Fanconi anemia complementation group A. Last evaluated: 2020-02-28. Review status: no assertion criteria provided. Collection method: curation. Allele origin: germline. Affected: yes. Not counted in ClinVar's aggregate classification.
Comment: Curator: Arleen D. Auerbach. Submitter to LOVD: Johan de Winter.

Literature cited by the submitters: PubMed 17924555 (cited by 3 submitters); PubMed 16532972 (cited by Natera, Inc.); PubMed 16199547 (cited by Labcorp Genetics (formerly Invitae), Labcorp); PubMed 19367192 (cited by Labcorp Genetics (formerly Invitae), Labcorp).